The following is an entry in ClinVar:

NM_018136.5(ASPM):c.4216_4217delinsTT (p.Ala1406Phe)

Gene: ASPM (assembly factor for spindle microtubules; minus strand). Cytogenetic location: 1q31.3.
Variant type: Indel.
Coding change: c.4216_4217delinsTT on transcript NM_018136.5 (MANE Select); coding-DNA positions 4216 to 4217, GC replaced by TT.
Protein change: p.Ala1406Phe; replaces alanine 1406 with phenylalanine.
Molecular consequence: missense variant. On other transcripts: intron variant (1).
Genome position (GRCh38, 1-based): chr1:197,105,034-197,105,035, GC replaced by AA on the plus strand (GC replaced by TT on the coding strand, the reverse complement: ASPM is on the minus strand). VCF-style: chr1-197105034-GC-AA. GRCh37 (hg19) VCF-style: chr1-197074164-GC-AA.
Other names: c.4066-8871_4066-8870delinsTT (NM_001206846.2); short protein forms A1406F.
Identifiers: ClinVar variation 423578 (VCV000423578.1), dbSNP rs1064796504, ClinGen allele CA16617035.
Genomic context (GRCh38, chr1:197,105,034, plus strand): 5'-ATAAGAGTTGATGATTTTAGCATTTCATATCTTTGTTGATCTTGTTTTCTTCTTAAATAA[GC>AA]ACGCCAATGCCTCTGAATTGTAACTGTAGCCCAAAGATATCGTTTATAAGATGTAACAGC-3'
Protein context (NP_060606.3, residues 1396-1416): ATVTIQRHWR[Ala1406Phe]YLRRKQDQQR

ClinVar aggregate classification (germline): Uncertain significance (1 of 4 stars; one submission).

Submission:

GeneDx
Classification: Uncertain significance. Last evaluated: 2017-02-24. Review status: criteria provided, single submitter. Criteria: GeneDx Variant Classification (06012015). Collection method: clinical testing. Allele origin: germline. Affected: yes.
Comment: A variant of uncertain significance has been identified in the ASPM gene. The c.4216_4217delGCinsTT variant has not been published as a pathogenic variant, nor has it been reported as a benign variant to our knowledge. It is not observed in large population cohorts (Lek et al., 2016; 1000 Genomes Consortium et al., 2015; Exome Variant Server). The c.4216_4217delGCinsTT variant causes a deletion of two nucleotides followed by an insertion of two nucleotides, resulting in an in-frame substitution of one amino acid, denoted p.Ala1406Phe (A1406F). The A1406F variant is a semi-conservative amino acid substitution, which may impact secondary protein structure as these residues differ in some properties. This substitution occurs at a position that is conserved across species, and in silico analysis predicts the A1406F variant is probably damaging to the protein structure/function. Based on the currently available information, it is unclear whether this variant is a pathogenic variant or a rare benign variant.